The following is an entry in ClinVar:

ClinVar aggregate classification (germline): Uncertain significance (1 of 4 stars; one submission).

Conditions:
Hereditary cancer-predisposing syndrome. Also called: Tumor predisposition; Hereditary Cancer Syndrome; Hereditary neoplastic syndrome; Neoplastic Syndromes, Hereditary. Identifiers: Orphanet 140162, MedGen C0027672, MeSH D009386, MONDO:0015356.

Submissions (2):

Ambry Genetics
Classification: Uncertain significance for Hereditary cancer-predisposing syndrome. Last evaluated: 2025-07-31. Review status: criteria provided, single submitter. Criteria: Ambry Variant Classification Scheme 2023. Collection method: clinical testing. Allele origin: germline.
Comment: The p.A1830V variant (also known as c.5489C>T), located in coding exon 22 of the BRCA1 gene, results from a C to T substitution at nucleotide position 5489. The alanine at codon 1830 is replaced by valine, an amino acid with similar properties. Protein functional studies for this variant are conflicting (Findlay GM et al. Nature, 2018 Oct;562:217-222; Adamovich AI et al. Am J Hum Genet, 2022 Apr;109:618-630). This amino acid position is well conserved in available vertebrate species. In addition, the in silico prediction for this alteration is inconclusive. Based on the available evidence, the clinical significance of this variant remains unclear.

Brotman Baty Institute, University of Washington
No classification provided (evidence only). Condition: Breast-ovarian cancer, familial 1. Review status: no classification provided. Collection method: in vitro. Allele origin: not applicable. Functional consequence: functionally_normal. Not counted in ClinVar's aggregate classification.
ClinVar note: "not provided" was previously submitted as the classification for the variant. However, the classification appeared to be based only on an observation of functional data so it was converted to no classification on 2025-07-30.

Literature cited by the submitters: PubMed 30209399 (cited by Ambry Genetics); PubMed 35196514 (cited by Ambry Genetics).

NM_007294.4(BRCA1):c.5489C>T (p.Ala1830Val)

Gene: BRCA1 (BRCA1 DNA repair associated; minus strand). Cytogenetic location: 17q21.31.
Variant type: single nucleotide variant.
Coding change: c.5489C>T on transcript NM_007294.4 (MANE Select); coding-DNA position 5489, C replaced by T.
Protein change: p.Ala1830Val; replaces alanine 1830 with valine.
Molecular consequence: missense variant. On other transcripts: 3 prime UTR variant (1), non-coding transcript variant (1).
Genome position (GRCh38, 1-based): chr17:43,045,781, G>A on the plus strand (C>T on the coding strand, the complement: BRCA1 is on the minus strand). VCF-style: chr17-43045781-G-A. GRCh37 (hg19) VCF-style: chr17-41197798-G-A.
Other names: c.2177C>T, p.Ala726Val (NM_001407982.1, NM_001407983.1, NM_001407984.1 and 11 more transcripts); c.2174C>T, p.Ala725Val (NM_001408392.1, NM_001408396.1, NM_001408397.1 and 7 more transcripts); c.5360C>T, p.Ala1787Val (NM_001407684.1, NM_001407685.1, NM_001407686.1 and 6 more transcripts); c.5357C>T, p.Ala1786Val (NM_001407690.1, NM_001407691.1); c.5348C>T, p.Ala1783Val (NM_001407692.1, NM_001407694.1, NM_001407729.1 and 12 more transcripts); c.5345C>T, p.Ala1782Val (NM_001407748.1, NM_001407749.1, NM_001407750.1 and 18 more transcripts); c.5342C>T, p.Ala1781Val (NM_001407838.1, NM_001407839.1, NM_001407841.1 and 12 more transcripts); c.5225C>T, p.Ala1742Val (NM_001407922.1, NM_001407923.1, NM_001407924.1 and 4 more transcripts); and 74 more; short protein forms A1851V, A1830V, A726V, A1783V, A1533V, A1534V, A1676V, A1701V.
Identifiers: ClinVar variation 864934 (VCV000864934.4), dbSNP rs2050883748, ClinGen allele CA10590324.